The following is an entry in ClinVar:

ClinVar aggregate classification (germline): Uncertain significance (1 of 4 stars; one submission).

gnomAD v4.1: 1 of 1,612,684 alleles (0.000062%); highest among the groups gnomAD compares: Non-Finnish European, 0.000085%; no homozygotes.

Submission:

Labcorp Genetics (formerly Invitae), Labcorp
Classification: Uncertain significance. Last evaluated: 2025-12-03. Review status: criteria provided, single submitter. Criteria: Invitae Variant Classification Sherloc (09022015). Collection method: clinical testing. Allele origin: germline.
Comment: This sequence change replaces glutamic acid, which is acidic and polar, with valine, which is neutral and non-polar, at codon 751 of the WFS1 protein (p.Glu751Val). This variant is not present in population databases (gnomAD no frequency). This variant has not been reported in the literature in individuals affected with WFS1-related conditions. Invitae Evidence Modeling of protein sequence and biophysical properties (such as structural, functional, and spatial information, amino acid conservation, physicochemical variation, residue mobility, and thermodynamic stability) has been performed for this missense variant. However, the output from this modeling did not meet the statistical confidence thresholds required to predict the impact of this variant on WFS1 protein function. In summary, the available evidence is currently insufficient to determine the role of this variant in disease. Therefore, it has been classified as a Variant of Uncertain Significance.

NM_006005.3(WFS1):c.2252A>T (p.Glu751Val)

Gene: WFS1 (wolframin ER transmembrane glycoprotein; plus strand). Cytogenetic location: 4p16.1.
Variant type: single nucleotide variant.
Coding change: c.2252A>T on transcript NM_006005.3 (MANE Select); coding-DNA position 2252, A replaced by T.
Protein change: p.Glu751Val; replaces glutamic acid 751 with valine.
Molecular consequence: missense variant.
Genome position (GRCh38, 1-based): chr4:6,302,047, A>T. VCF-style: chr4-6302047-A-T. GRCh37 (hg19) VCF-style: chr4-6303774-A-T.
Other names: c.2252A>T, p.Glu751Val (NM_001145853.1); short protein forms E751V.
Identifiers: ClinVar variation 4707202 (VCV004707202.1).